The following is an entry in ClinVar:

ClinVar aggregate classification (germline): Benign/Likely benign. Review status: criteria provided, multiple submitters, no conflicts (2 of 4 stars). 11 submissions from 11 submitters: Benign (4); Likely benign (6). 1 of the submissions does not count toward it. Last evaluated 2026-02-01.

Conditions:
Hereditary nonpolyposis colorectal neoplasms. Identifiers: MedGen C0009405, MeSH D003123.
Breast and/or ovarian cancer. Identifiers: MedGen CN221562.
Hereditary cancer-predisposing syndrome. Also called: Tumor predisposition; Hereditary Cancer Syndrome; Neoplastic Syndromes, Hereditary; Hereditary neoplastic syndrome. Identifiers: Orphanet 140162, MedGen C0027672, MeSH D009386, MONDO:0015356.
Lynch syndrome 5 (LYNCH5). Also called: Colorectal cancer, hereditary nonpolyposis, type 5; Hereditary non-polyposis colorectal cancer, type 5. Identifiers: Orphanet 144, MedGen C1833477, MONDO:0013710, OMIM 614350. Disease mechanism: loss of function.

Allele frequency attached by ClinVar (database versions not stated): TOPMed 0.00209; 1000 Genomes Project 30x 0.00219; 1000 Genomes Project 0.00240; ESP Exome Variant Server 0.00261.
gnomAD v4.1: 592 of 1,614,186 alleles (0.037%); highest among the groups gnomAD compares: African/African-American, 0.7%; 1 homozygote.

Submissions (17):

Labcorp Genetics (formerly Invitae), Labcorp
Classification: Benign for Hereditary nonpolyposis colorectal neoplasms. Last evaluated: 2026-02-01. Review status: criteria provided, single submitter. Criteria: Invitae Variant Classification Sherloc (09022015). Collection method: clinical testing. Allele origin: germline.

Center for Genomic Medicine, Rigshospitalet, Copenhagen University Hospital
Classification: Likely benign. Last evaluated: 2025-03-04. Review status: criteria provided, single submitter. Criteria: ACMG Guidelines, 2015. Collection method: clinical testing. Allele origin: germline.

Myriad Genetics, Inc.
Classification: Benign for Lynch syndrome 5. Last evaluated: 2025-01-03. Review status: criteria provided, single submitter. Criteria: Myriad Autosomal Dominant, Autosomal Recessive and X-Linked Classification Criteria (2023). Collection method: clinical testing. Allele origin: unknown.
Comment: This variant is considered benign. This variant is intronic and is not expected to impact mRNA splicing. This variant is strongly associated with less severe personal and family histories of cancer, typical for individuals without pathogenic variants in this gene [PMID: 27363726]. This variant has been observed in conjunction with multiple pathogenic variants, reducing the likelihood this variant itself is pathogenic.

Blueprint Genetics
Classification: Likely benign. Last evaluated: 2024-11-25. Review status: criteria provided, single submitter. Criteria: ACMG Guidelines, 2015. Collection method: clinical testing. Allele origin: germline.

CHEO Genetics Diagnostic Laboratory, Children's Hospital of Eastern Ontario
Classification: Likely benign for Breast and/or ovarian cancer. Last evaluated: 2023-02-23. Review status: criteria provided, single submitter. Criteria: ACMG Guidelines, 2015. Collection method: clinical testing. Allele origin: germline.

ARUP Laboratories, Molecular Genetics and Genomics, ARUP Laboratories
Classification: Likely benign. Last evaluated: 2019-10-13. Review status: criteria provided, single submitter. Criteria: ARUP Molecular Germline Variant Investigation Process. Collection method: clinical testing. Allele origin: germline.

Color Diagnostics, LLC DBA Color Health
Classification: Likely benign for Hereditary cancer-predisposing syndrome. Last evaluated: 2015-04-26. Review status: criteria provided, single submitter. Criteria: ACMG Guidelines, 2015. Collection method: clinical testing. Allele origin: germline.

Ambry Genetics
Classification: Benign for Hereditary cancer-predisposing syndrome. Last evaluated: 2014-11-18. Review status: criteria provided, single submitter. Criteria: Ambry Variant Classification Scheme 2023. Collection method: clinical testing. Allele origin: germline.

GeneDx
Classification: Benign. Last evaluated: 2014-02-05. Review status: criteria provided, single submitter. Criteria: GeneDx Variant Classification (06012015). Collection method: clinical testing. Allele origin: germline. Affected: yes.
Comment: This variant is considered likely benign or benign based on one or more of the following criteria: it is a conservative change, it occurs at a poorly conserved position in the protein, it is predicted to be benign by multiple in silico algorithms, and/or has population frequency not consistent with disease.

PreventionGenetics, part of Exact Sciences
Classification: Likely benign. Review status: criteria provided, single submitter. Criteria: ACMG Guidelines, 2015. Collection method: clinical testing. Allele origin: germline.

University of Washington Department of Laboratory Medicine, University of Washington
Classification: Likely benign for Hereditary cancer-predisposing syndrome. Last evaluated: 2015-12-01. Review status: no assertion criteria provided. Collection method: clinical testing. Allele origin: germline. Affected: yes. Not counted in ClinVar's aggregate classification.

Dr. Peter K. Rogan Lab, Western University
No classification provided (evidence only). Condition: Lung cancer. Review status: no classification provided. Collection method: in vitro. Allele origin: not applicable. Functional consequence: retained intron. Not counted in ClinVar's aggregate classification.

Dr. Peter K. Rogan Lab, Western University
No classification provided (evidence only). Condition: Familial cancer of breast. Review status: no classification provided. Collection method: in vitro. Allele origin: not applicable. Functional consequence: retained intron. Not counted in ClinVar's aggregate classification.

Dr. Peter K. Rogan Lab, Western University
No classification provided (evidence only). Condition: Familial cancer of breast. Review status: no classification provided. Collection method: in vitro. Allele origin: not applicable. Functional consequence: retained intron. Not counted in ClinVar's aggregate classification.

Dr. Peter K. Rogan Lab, Western University
No classification provided (evidence only). Condition: Familial cancer of breast. Review status: no classification provided. Collection method: in vitro. Allele origin: not applicable. Functional consequence: retained intron. Not counted in ClinVar's aggregate classification.

Dr. Peter K. Rogan Lab, Western University
No classification provided (evidence only). Condition: Uterine corpus endometrial carcinoma. Review status: no classification provided. Collection method: in vitro. Allele origin: not applicable. Functional consequence: retained intron. Not counted in ClinVar's aggregate classification.

Dr. Peter K. Rogan Lab, Western University
No classification provided (evidence only). Condition: Uterine corpus endometrial carcinoma. Review status: no classification provided. Collection method: in vitro. Allele origin: not applicable. Functional consequence: retained intron. Not counted in ClinVar's aggregate classification.

Literature cited by the submitters: PubMed 27363726 (cited by Myriad Genetics, Inc.).

NM_000179.3(MSH6):c.3173-18T>A

Gene: MSH6 (mutS homolog 6; plus strand). Cytogenetic location: 2p16.3.
Variant type: single nucleotide variant.
Coding change: c.3173-18T>A on transcript NM_000179.3 (MANE Select); 18 bases into the intron before coding-DNA position 3173, T replaced by A.
Molecular consequence: intron variant.
Genome position (GRCh38, 1-based): chr2:47,803,402, T>A. VCF-style: chr2-47803402-T-A. GRCh37 (hg19) VCF-style: chr2-48030541-T-A.
Other names: c.2267-18T>A (NM_001281493.2, NM_001281494.2); c.2783-18T>A (NM_001281492.2).
Identifiers: ClinVar variation 138261 (VCV000138261.34), dbSNP rs189672273, ClinGen allele CA011767.